The following is an entry in ClinVar:

ClinVar aggregate classification (germline): Uncertain significance (1 of 4 stars; one submission).

Submission:

Labcorp Genetics (formerly Invitae), Labcorp
Classification: Uncertain significance. Last evaluated: 2023-05-30. Review status: criteria provided, single submitter. Criteria: Invitae Variant Classification Sherloc (09022015). Collection method: clinical testing. Allele origin: unknown.
Comment: In summary, the available evidence is currently insufficient to determine the role of this variant in disease. Therefore, it has been classified as a Variant of Uncertain Significance. This variant has not been reported in the literature in individuals affected with KPNA7-related conditions. A copy number gain of the genomic region encompassing the full coding sequence of the KPNA7 gene has been identified. The boundaries of this event are unknown as they extend beyond the assayed region for this gene and therefore may encompass additional genes. As the precise location of this event is unknown, it may be in tandem or it may be located elsewhere in the genome.

NC_000007.13:g.(?_98771331)_(98805089_?)dup

Gene: KPNA7 (karyopherin subunit alpha 7; minus strand). Cytogenetic location: 7q22.1.
Variant type: Duplication.
Identifiers: ClinVar variation 3245864 (VCV003245864.1).